The following is an entry in ClinVar:

NM_001848.3(COL6A1):c.1892T>C (p.Phe631Ser)

Gene: COL6A1 (collagen type VI alpha 1 chain; plus strand). Cytogenetic location: 21q22.3.
Variant type: single nucleotide variant.
Coding change: c.1892T>C on transcript NM_001848.3 (MANE Select); coding-DNA position 1892, T replaced by C.
Protein change: p.Phe631Ser; replaces phenylalanine 631 with serine.
Molecular consequence: missense variant.
Genome position (GRCh38, 1-based): chr21:46,001,322, T>C. VCF-style: chr21-46001322-T-C. GRCh37 (hg19) VCF-style: chr21-47421236-T-C.
Other names: short protein forms F631S.
Identifiers: ClinVar variation 5006427 (VCV005006427.2).

ClinVar aggregate classification (germline): Uncertain significance (1 of 4 stars; one submission).

Conditions:
Bethlem myopathy 1A. Also called: Bethlem myopathy 1; MYOPATHY, BENIGN CONGENITAL, WITH CONTRACTURES; Bethlem Muscular Dystrophy. Identifiers: Orphanet 610, MedGen CN029274, MONDO:0024530, OMIM 158810.
Ullrich congenital muscular dystrophy 1A. Also called: Ullrich congenital muscular dystrophy 1; Intermediate COL6-RD. Identifiers: Orphanet 75840, MedGen C0410179, MONDO:0009681, OMIM 254090.

Submission:

Juno Genomics, Hangzhou Juno Genomics, Inc
Classification: Uncertain significance for Bethlem myopathy 1A; Ullrich congenital muscular dystrophy 1A. Review status: criteria provided, single submitter. Criteria: ACMG Guidelines, 2015. Collection method: clinical testing. Allele origin: germline.
Comment: Absent from controls (or at extremely low frequency if recessive) in Genome Aggregation Database.;Multiple lines of computational evidence support a deleterious effect on the gene or gene product.